The following is an entry in ClinVar:

NM_001130987.2(DYSF):c.5796G>A (p.Trp1932Ter)

Gene: DYSF (dysferlin; plus strand). Cytogenetic location: 2p13.2.
Variant type: single nucleotide variant.
Coding change: c.5796G>A on transcript NM_001130987.2 (MANE Select); coding-DNA position 5796, G replaced by A.
Protein change: p.Trp1932Ter; replaces tryptophan 1932 with a stop codon.
Molecular consequence: nonsense.
Genome position (GRCh38, 1-based): chr2:71,674,208, G>A. VCF-style: chr2-71674208-G-A. GRCh37 (hg19) VCF-style: chr2-71901338-G-A.
Other names: c.5682G>A, p.Trp1894Ter (NM_001130455.2); c.5637G>A, p.Trp1879Ter (NM_001130976.2); c.5700G>A, p.Trp1900Ter (NM_001130977.2); c.5742G>A, p.Trp1914Ter (NM_001130978.2); c.5772G>A, p.Trp1924Ter (NM_001130979.2); c.5730G>A, p.Trp1910Ter (NM_001130980.2); c.5793G>A, p.Trp1931Ter (NM_001130981.2); c.5775G>A, p.Trp1925Ter (NM_001130982.2); and 5 more; short protein forms W1914*, W1893*, W1879*, W1880*, W1894*, W1900*, W1901*, W1910*.
Identifiers: ClinVar variation 2055621 (VCV002055621.4), dbSNP rs267599442, ClinGen allele CA49771552.

ClinVar aggregate classification (germline): Pathogenic (1 of 4 stars; one submission).

Conditions:
Neuromuscular disease caused by qualitative or quantitative defects of dysferlin. Also called: Dysferlinopathy; Qualitative or quantitative defects of dysferlin. Identifiers: Orphanet 207073, MedGen C2931687, MONDO:0016145.

Submission:

Labcorp Genetics (formerly Invitae), Labcorp
Classification: Pathogenic for Neuromuscular disease caused by qualitative or quantitative defects of dysferlin. Last evaluated: 2021-12-23. Review status: criteria provided, single submitter. Criteria: Invitae Variant Classification Sherloc (09022015). Collection method: clinical testing. Allele origin: germline.
Comment: For these reasons, this variant has been classified as Pathogenic. This sequence change creates a premature translational stop signal (p.Trp1893*) in the DYSF gene. It is expected to result in an absent or disrupted protein product. Loss-of-function variants in DYSF are known to be pathogenic (PMID: 17698709, 20301480). This variant is not present in population databases (gnomAD no frequency). This variant has not been reported in the literature in individuals affected with DYSF-related conditions.

Literature cited by the submitters: PubMed 17698709; PubMed 20301480.